The following is an entry in ClinVar:

NM_014285.7(EXOSC2):c.186_187del (p.Arg62fs)

Gene: EXOSC2 (exosome component 2; plus strand). Cytogenetic location: 9q34.12.
Variant type: Microsatellite.
Coding change: c.186_187del on transcript NM_014285.7 (MANE Select); coding-DNA positions 186 to 187, 2 bases deleted (AG; older notation c.186_187delAG).
Protein change: p.Arg62fs; shifts the reading frame from arginine 62.
Molecular consequence: frameshift variant. On other transcripts: non-coding transcript variant (1).
Genome position (GRCh38, 1-based): chr9:130,695,555-130,695,556, AG deleted; deleting any 2 consecutive bases within chr9:130,695,550-130,695,556 gives the same sequence; the c. name uses the placement nearest the transcript's 3' end. VCF-style (leftmost placement, unchanged base first): chr9-130695549-GGA-G. GRCh37 (hg19) VCF-style: chr9-133570936-GGA-G.
Other names: c.186_187del, p.Arg62fs (NM_001282708.1, NM_001282709.1); short protein forms R62fs.
Identifiers: ClinVar variation 945359 (VCV000945359.7), dbSNP rs1831074107, ClinGen allele CA1881359335.

ClinVar aggregate classification (germline): Uncertain significance (1 of 4 stars; one submission).

Submission:

Labcorp Genetics (formerly Invitae), Labcorp
Classification: Uncertain significance. Last evaluated: 2023-10-03. Review status: criteria provided, single submitter. Criteria: Invitae Variant Classification Sherloc (09022015). Collection method: clinical testing. Allele origin: germline.
Comment: This sequence change creates a premature translational stop signal (p.Arg62Serfs*17) in the EXOSC2 gene. It is expected to result in an absent or disrupted protein product. However, the current clinical and genetic evidence is not sufficient to establish whether loss-of-function variants in EXOSC2 cause disease. This variant is not present in population databases (gnomAD no frequency). This variant has not been reported in the literature in individuals affected with EXOSC2-related conditions. ClinVar contains an entry for this variant (Variation ID: 945359). In summary, the available evidence is currently insufficient to determine the role of this variant in disease. Therefore, it has been classified as a Variant of Uncertain Significance.